The following is an entry in ClinVar:

NM_032122.5(DTNBP1):c.814C>T (p.Pro272Ser)

Gene: DTNBP1 (dystrobrevin binding protein 1; minus strand). Cytogenetic location: 6p22.3.
Variant type: single nucleotide variant.
Coding change: c.814C>T on transcript NM_032122.5 (MANE Select); coding-DNA position 814, C replaced by T.
Protein change: p.Pro272Ser; replaces proline 272 with serine.
Molecular consequence: missense variant.
Genome position (GRCh38, 1-based): chr6:15,523,217, G>A on the plus strand (C>T on the coding strand, the complement: DTNBP1 is on the minus strand). VCF-style: chr6-15523217-G-A. GRCh37 (hg19) VCF-style: chr6-15523448-G-A.
Other names: c.571C>T, p.Pro191Ser (NM_001271667.2); c.763C>T, p.Pro255Ser (NM_001271668.2); c.709C>T, p.Pro237Ser (NM_001271669.2); short protein forms P272S, P191S, P237S, P255S.
Identifiers: ClinVar variation 163299 (VCV000163299.20), dbSNP rs17470454, ClinGen allele CA175975.

ClinVar aggregate classification (germline): Benign/Likely benign. Review status: criteria provided, multiple submitters, no conflicts (2 of 4 stars). 10 submissions from 10 submitters: Benign (5); Likely benign (3). 2 of the submissions do not count toward it. Last evaluated 2026-02-04.

Allele frequency attached by ClinVar (database versions not stated): 1000 Genomes Project 30x 0.01530; 1000 Genomes Project 0.01558; TOPMed 0.03154; ESP Exome Variant Server 0.03691; gnomAD 0.04140 and 0.04338; gnomAD exomes 0.04246 and 0.05021; ExAC 0.04358.
gnomAD v4.1: 79,134 of 1,613,910 alleles (4.9%); highest among the groups gnomAD compares: Non-Finnish European, 5.6%; 2,473 homozygotes.

Submissions (10):

Labcorp Genetics (formerly Invitae), Labcorp
Classification: Benign. Last evaluated: 2026-02-04. Review status: criteria provided, single submitter. Criteria: Invitae Variant Classification Sherloc (09022015). Collection method: clinical testing. Allele origin: germline.

Blueprint Genetics
Classification: Likely benign. Last evaluated: 2024-11-27. Review status: criteria provided, single submitter. Criteria: ACMG Guidelines, 2015. Collection method: clinical testing. Allele origin: germline.

Mayo Clinic Laboratories, Mayo Clinic
Classification: Benign. Last evaluated: 2023-10-25. Review status: criteria provided, single submitter. Criteria: ACMG Guidelines, 2015. Collection method: clinical testing. Allele origin: germline. Observed: 38 variant alleles.
Comment: BA1, BS2, BP4

Women's Health and Genetics/Laboratory Corporation of America, LabCorp
Classification: Likely benign. Last evaluated: 2021-12-10. Review status: criteria provided, single submitter. Criteria: LabCorp Variant Classification Summary - May 2015. Collection method: clinical testing. Allele origin: germline.

GeneDx
Classification: Benign. Last evaluated: 2018-07-09. Review status: criteria provided, single submitter. Criteria: GeneDx Variant Classification Process June 2021. Collection method: clinical testing. Allele origin: germline. Affected: yes.
Comment: This variant is associated with the following publications: (PMID: 17000706)

Laboratory for Molecular Medicine, Mass General Brigham Personalized Medicine
Classification: Benign. Last evaluated: 2014-11-12. Review status: criteria provided, single submitter. Criteria: LMM Criteria. Collection method: clinical testing. Allele origin: germline. Observed: 7 variant alleles.
Comment: p.Pro272Ser in exon 10 of DTNBP1: This variant is not expected to have clinical significance because it has been identified in 5% (437/8600) of European America n chromosomes by the NHLBI Exome Sequencing Project (u/EVS/; dbSNP rs17470454).

Breakthrough Genomics
Classification: Likely benign. Review status: criteria provided, single submitter. Criteria: ACMG Guidelines, 2015. Collection method: not provided. Allele origin: germline. Inheritance: Autosomal recessive inheritance. Affected: yes.

PreventionGenetics, part of Exact Sciences
Classification: Benign. Review status: criteria provided, single submitter. Criteria: ACMG Guidelines, 2015. Collection method: clinical testing. Allele origin: germline.

Genome Diagnostics Laboratory, University Medical Center Utrecht
Classification: Likely benign. Review status: no assertion criteria provided. Collection method: clinical testing. Allele origin: germline. Affected: yes. Study: VKGL Data-share Consensus. Not counted in ClinVar's aggregate classification.

Laboratory of Diagnostic Genome Analysis, Leiden University Medical Center (LUMC)
Classification: Likely benign. Review status: no assertion criteria provided. Collection method: clinical testing. Allele origin: germline. Affected: yes. Study: VKGL Data-share Consensus. Not counted in ClinVar's aggregate classification.

Literature cited by the submitters: PubMed 31898847 (cited by Mayo Clinic Laboratories, Mayo Clinic); PubMed 17000706 (cited by Laboratory for Molecular Medicine, Mass General Brigham Personalized Medicine); PubMed 17476109 (cited by Laboratory for Molecular Medicine, Mass General Brigham Personalized Medicine).